The following is an entry in ClinVar:

ClinVar aggregate classification (germline): Pathogenic. Review status: reviewed by expert panel (3 of 4 stars). 2 submissions from 2 submitters: Pathogenic (1). 1 of the submissions does not count toward it. Last evaluated 2016-10-18.

Conditions:
Breast-ovarian cancer, familial, susceptibility to, 1 (BROVCA1). Also called: BRCA1 Hereditary Breast and Ovarian Cancer; OVARIAN CANCER, SUSCEPTIBILITY TO. Identifiers: Orphanet 145, MedGen C2676676, MONDO:0011450, OMIM 604370. Disease mechanism: loss of function.

Submissions (2):

Evidence-based Network for the Interpretation of Germline Mutant Alleles (ENIGMA)
Classification: Pathogenic for Breast-ovarian cancer, familial, susceptibility to, 1. Last evaluated: 2016-10-18. Review status: reviewed by expert panel. Criteria: ENIGMA BRCA1/2 Classification Criteria (2015). Collection method: curation. Allele origin: germline.
Comment: Variant allele predicted to encode a truncated non-functional protein.

Consortium of Investigators of Modifiers of BRCA1/2 (CIMBA), c/o University of Cambridge
Classification: Pathogenic for Breast-ovarian cancer, familial, susceptibility to, 1. Last evaluated: 2015-10-02. Review status: criteria provided, single submitter. Criteria: CIMBA Mutation Classification guidelines May 2016. Collection method: clinical testing. Allele origin: germline. Not counted in ClinVar's aggregate classification.

NM_007294.4(BRCA1):c.2843del (p.Gly948fs)

Gene: BRCA1 (BRCA1 DNA repair associated; minus strand). Cytogenetic location: 17q21.31.
Variant type: Deletion.
Coding change: c.2843del on transcript NM_007294.4 (MANE Select); coding-DNA position 2843, one base deleted (G; older notation c.2843delG).
Protein change: p.Gly948fs; shifts the reading frame from glycine 948.
Molecular consequence: frameshift variant. On other transcripts: intron variant (137).
Genome position (GRCh38, 1-based): chr17:43,092,688, C deleted on the plus strand (G on the coding strand, the reverse complement: BRCA1 is on the minus strand); the first of 2 consecutive C bases (chr17:43,092,688-43,092,689); deleting either gives the same sequence. VCF-style (leftmost placement, unchanged base first): chr17-43092687-TC-T. GRCh37 (hg19) VCF-style: chr17-41244704-TC-T.
Other names: 2962delG-ter999; c.647-1656del (NM_001408461.1, NM_001408467.1, NM_001408459.1 and 11 more transcripts); c.785-1656del (NM_001408397.1, NM_001408401.1, NM_001408396.1 and 13 more transcripts); c.665-1656del (NM_001408436.1, NM_001408444.1, NM_001408438.1 and 12 more transcripts); c.788-1656del (NM_001407980.1, NM_001407993.1, NM_001407976.1 and 17 more transcripts); c.653-1656del (NM_001408451.1); c.644-1656del (NM_001408464.1, NM_001408468.1, NM_001408465.1 and 3 more transcripts); c.524-1656del (NM_001408498.1, NM_001408501.1, NM_001408500.1 and 3 more transcripts); and 43 more; short protein forms G901fs, G948fs, G780fs, G820fs, G836fs, G652fs, G821fs, G837fs.
Identifiers: ClinVar variation 266307 (VCV000266307.6), dbSNP rs886040076, ClinGen allele CA10589809.